The following is an entry in ClinVar:

NM_022072.5(NSUN3):c.467-2A>G

Gene: NSUN3 (NOP2/Sun RNA methyltransferase 3; plus strand). Cytogenetic location: 3q11.2.
Variant type: single nucleotide variant.
Coding change: c.467-2A>G on transcript NM_022072.5 (MANE Select); the canonical splice acceptor site of the intron before coding-DNA position 467, A replaced by G.
Molecular consequence: splice acceptor variant.
Genome position (GRCh38, 1-based): chr3:94,094,138, A>G. VCF-style: chr3-94094138-A-G. GRCh37 (hg19) VCF-style: chr3-93812982-A-G.
Identifiers: ClinVar variation 2776662 (VCV002776662.3), dbSNP rs772428747, ClinGen allele CA2504717.

ClinVar aggregate classification (germline): Uncertain significance (1 of 4 stars; one submission).

Allele frequency attached by ClinVar (database versions not stated): TOPMed below 0.00001; ExAC 0.00002.
gnomAD v4.1: 2 of 1,575,546 alleles (0.00013%); highest among the groups gnomAD compares: Admixed American, 0.004%; no homozygotes.

Submission:

Labcorp Genetics (formerly Invitae), Labcorp
Classification: Uncertain significance. Last evaluated: 2023-07-16. Review status: criteria provided, single submitter. Criteria: Invitae Variant Classification Sherloc (09022015). Collection method: clinical testing. Allele origin: germline.
Comment: In summary, the available evidence is currently insufficient to determine the role of this variant in disease. Therefore, it has been classified as a Variant of Uncertain Significance. Algorithms developed to predict the effect of sequence changes on RNA splicing suggest that this variant may disrupt the consensus splice site. This variant has not been reported in the literature in individuals affected with NSUN3-related conditions. The frequency data for this variant in the population databases is considered unreliable, as metrics indicate poor data quality at this position in the gnomAD database. This sequence change affects an acceptor splice site in intron 3 of the NSUN3 gene. It is expected to disrupt RNA splicing. Variants that disrupt the donor or acceptor splice site typically lead to a loss of protein function (PMID: 16199547), however the current clinical and genetic evidence is not sufficient to establish whether loss-of-function variants in NSUN3 cause disease.

Literature cited by the submitters: PubMed 16199547.